The following is an entry in ClinVar:

NM_001283009.2(RTEL1):c.500T>G (p.Val167Gly)

Genes: RTEL1 (regulator of telomere elongation helicase 1; plus strand), RTEL1-TNFRSF6B (RTEL1-TNFRSF6B readthrough (NMD candidate); plus strand). Cytogenetic location: 20q13.33.
Variant type: single nucleotide variant.
Coding change: c.500T>G on transcript NM_001283009.2 (MANE Select); coding-DNA position 500, T replaced by G.
Protein change: p.Val167Gly; replaces valine 167 with glycine.
Molecular consequence: missense variant. On other transcripts: non-coding transcript variant (1), 5 prime UTR variant (1).
Genome position (GRCh38, 1-based): chr20:63,662,851, T>G. VCF-style: chr20-63662851-T-G. GRCh37 (hg19) VCF-style: chr20-62294204-T-G.
Other names: c.-170T>G (NM_001283010.1); c.500T>G, p.Val167Gly (NM_016434.4); c.572T>G, p.Val191Gly (NM_032957.5); short protein forms V167G, V191G.
Identifiers: ClinVar variation 660892 (VCV000660892.9), dbSNP rs1601087815, ClinGen allele CA409669933.
Genomic context (GRCh38, chr20:63,662,851, plus strand): 5'-CCGTGCTTCAGCTGCGCACTCTGCCCTTCCTCCCACAGATCCACTTGTGCCGTAAGAAGG[T>G]GGCAAGTCGCTCCTGTCATTTCTACAACAACGTAGAAGGTACAAGCAGCTGGGTGGGACC-3'
Protein context (NP_001269938.1, residues 157-177): HLQIHLCRKK[Val167Gly]ASRSCHFYNN

ClinVar aggregate classification (germline): Uncertain significance (1 of 4 stars; one submission).

Conditions:
Dyskeratosis congenita, autosomal recessive 5 (DKCB5). Identifiers: MedGen C3554656, MONDO:0014076, OMIM 615190.
Pulmonary fibrosis and/or bone marrow failure, Telomere-related, 3. Also called: PULMONARY FIBROSIS AND/OR BONE MARROW FAILURE SYNDROME, TELOMERE-RELATED, 3. Identifiers: Orphanet 2032, MedGen C4225346, MONDO:0014613, OMIM 616373.

Submission:

Labcorp Genetics (formerly Invitae), Labcorp
Classification: Uncertain significance for Dyskeratosis congenita, autosomal recessive 5; Pulmonary fibrosis and/or bone marrow failure, Telomere-related, 3. Last evaluated: 2021-08-09. Review status: criteria provided, single submitter. Criteria: Invitae Variant Classification Sherloc (09022015). Collection method: clinical testing. Allele origin: germline.
Comment: In summary, the available evidence is currently insufficient to determine the role of this variant in disease. Therefore, it has been classified as a Variant of Uncertain Significance. This sequence change replaces valine with glycine at codon 167 of the RTEL1 protein (p.Val167Gly). The valine residue is highly conserved and there is a moderate physicochemical difference between valine and glycine. This variant is not present in population databases (ExAC no frequency). This variant has not been reported in the literature in individuals affected with RTEL1-related conditions. Algorithms developed to predict the effect of missense changes on protein structure and function are either unavailable or do not agree on the potential impact of this missense change (SIFT: "Deleterious"; PolyPhen-2: "Probably Damaging"; Align-GVGD: "Class C0").